The following is an entry in ClinVar:

ClinVar aggregate classification (germline): Uncertain significance (1 of 4 stars; one submission).

Conditions:
Malignant hyperthermia, susceptibility to, 1 (MHS1). Also called: Anesthesia related hyperthermia; Malignant hyperpyrexia; Fulminating hyperpyrexia; Pharmacogenic myopathy; RYR1-Related Malignant Hyperthermia Susceptibility; Malignant hyperthermia suceptibility 1. Identifiers: Orphanet 423, MedGen C2930980, MONDO:0007783, OMIM 145600.

Submission:

All of Us Research Program, National Institutes of Health
Classification: Uncertain significance for Malignant hyperthermia, susceptibility to, 1. Last evaluated: 2023-12-13. Review status: criteria provided, single submitter. Criteria: ACMG Guidelines, 2015. Collection method: clinical testing. Allele origin: germline. Inheritance: Autosomal dominant inheritance. Observed: 1 variant allele, 1 heterozygote.
Comment: This missense variant replaces proline with threonine at codon 1829 of the RYR1 protein. Computational prediction is inconclusive regarding the impact of this variant on protein structure and function (internally defined REVEL score threshold 0.5 < inconclusive < 0.7, PMID: 27666373). To our knowledge, functional studies have not been reported for this variant. This variant has not been reported in individuals affected with RYR1-related disorders in the literature. This variant has not been identified in the general population by the Genome Aggregation Database (gnomAD). The available evidence is insufficient to determine the role of this variant in disease conclusively. Therefore, this variant is classified as a Variant of Uncertain Significance.

This study involves interpretation of variants in research participants for the purpose of population health screening. Participant phenotype was not available at the time of variant classification. Additional details can be found in publication PMID: 35346344, PMCID: PMC8962531

NM_000540.3(RYR1):c.5485C>A (p.Pro1829Thr)

Gene: RYR1 (ryanodine receptor 1; plus strand). Cytogenetic location: 19q13.2.
Variant type: single nucleotide variant.
Coding change: c.5485C>A on transcript NM_000540.3 (MANE Select); coding-DNA position 5485, C replaced by A.
Protein change: p.Pro1829Thr; replaces proline 1829 with threonine.
Molecular consequence: missense variant.
Genome position (GRCh38, 1-based): chr19:38,486,140, C>A. VCF-style: chr19-38486140-C-A. GRCh37 (hg19) VCF-style: chr19-38976780-C-A.
Other names: c.5485C>A, p.Pro1829Thr (NM_001042723.2); short protein forms P1829T.
Identifiers: ClinVar variation 3074869 (VCV003074869.1), dbSNP rs2514230730, ClinGen allele CA405655686.